The following is an entry in ClinVar:

NM_000059.4(BRCA2):c.1047dup (p.Glu350fs)

Gene: BRCA2 (BRCA2 DNA repair associated; plus strand). Cytogenetic location: 13q13.1.
Variant type: Duplication.
Coding change: c.1047dup on transcript NM_000059.4 (MANE Select); coding-DNA position 1047, one base duplicated (A; older notation c.1047dupA).
Protein change: p.Glu350fs; shifts the reading frame from glutamic acid 350.
Molecular consequence: frameshift variant. On other transcripts: non-coding transcript variant (1), intron variant (1).
Genome position (GRCh38, 1-based): chr13:32,332,525, A duplicated; the last of 3 consecutive A bases (chr13:32,332,523-32,332,525); duplicating any one gives the same sequence. VCF-style (leftmost placement, unchanged base first): chr13-32332522-G-GA. GRCh37 (hg19) VCF-style: chr13-32906659-G-GA.
Other names: c.1047dup, p.Glu350fs (NM_001406719.1, NM_001406720.1, NM_001406721.1 and 1 more transcripts); c.424+1495dup (NM_001406722.1); c.1047dupA (NM_000059.4); short protein forms E350fs.
Identifiers: ClinVar variation 4852576 (VCV004852576.1).
Genomic context (GRCh38, chr13:32,332,522, plus strand): 5'-TAGGAAAAAAATTTTCCATGAAGCAAACGCTGATGAATGTGAAAAATCTAAAAACCAAGT[G>GA]AAAGAAAAATACTCATTTGTATCTGAAGTGGAACCAAATGATACTGATCCATTAGATTCA-3'

ClinVar aggregate classification (somatic clinical impact): Tier III - Unknown (0 of 4 stars; one submission).

Conditions:
Familial cancer of breast. Also called: BREAST CANCER, FAMILIAL; Hereditary breast cancer; hereditary breast carcinoma. Identifiers: Orphanet 227535, MedGen C0346153, MONDO:0016419, OMIM 114480. Disease mechanism: loss of function.

Submission:

Faculté Pluridciplinaire Nador, Université Mohamed Premier
Classification: Tier III - Unknown for Familial cancer of breast. Review status: no assertion criteria provided. Collection method: research. Allele origin: somatic. Affected: yes.
Comment: The following databases and algorithms are used to annotate and evaluate the impact of the variant in the context of human disease: 1000 genomes, gnomAD, ClinVar, OMIM, dbSNP, NCIB RefSeq Genes, ExAC Gene Constraints, VS-SIFT, VS-PolyPhen2, PhyloP, GERP++, GeneSplicer, MaxEntScan, NNSplice, PWM Splice Predictor.